The following is an entry in ClinVar:

NM_014244.5(ADAMTS2):c.3625G>A (p.Gly1209Arg)

Gene: ADAMTS2 (ADAM metallopeptidase with thrombospondin type 1 motif 2; minus strand). Cytogenetic location: 5q35.3.
Variant type: single nucleotide variant.
Coding change: c.3625G>A on transcript NM_014244.5 (MANE Select); coding-DNA position 3625, G replaced by A.
Protein change: p.Gly1209Arg; replaces glycine 1209 with arginine.
Molecular consequence: missense variant.
Genome position (GRCh38, 1-based): chr5:179,113,878, C>T on the plus strand (G>A on the coding strand, the complement: ADAMTS2 is on the minus strand). VCF-style: chr5-179113878-C-T. GRCh37 (hg19) VCF-style: chr5-178540879-C-T.
Other names: short protein forms G1209R.
Identifiers: ClinVar variation 429851 (VCV000429851.5), dbSNP rs769813298, ClinGen allele CA3595186.
Genomic context (GRCh38, chr5:179,113,878, plus strand): 5'-ATCTCTATAAGCAAGAAAAAAATGCTAGGGATGCTATCTTTCCATTTTATTAGAACTTTC[C>T]GAGCATCTCTTTCTTCCGCATCTCATCAATGAGCTCTTGGATTCTTTGGTTTCTGGTCTT-3'
Protein context (NP_055059.2, residues 1199-1211): IDEMRKKEML[Gly1209Arg]KF

ClinVar aggregate classification (germline): Uncertain significance. Review status: criteria provided, multiple submitters, no conflicts (2 of 4 stars). 3 submissions from 3 submitters: Uncertain significance (2). 1 of the submissions does not count toward it. Last evaluated 2022-08-22.

Conditions:
Ehlers-Danlos syndrome, dermatosparaxis type. Also called: EDS VIIC; Dermatosparaxis; Ehlers-Danlos syndrome, type VII, autosomal recessive. Identifiers: Orphanet 1901, MedGen C2700425, MONDO:0009161, OMIM 225410.

Allele frequency attached by ClinVar (database versions not stated): ExAC 0.00001; gnomAD 0.00001; gnomAD exomes 0.00002; TOPMed 0.00002.
gnomAD v4.1: 33 of 1,613,974 alleles (0.002%); highest among the groups gnomAD compares: Admixed American, 0.015%; no homozygotes.

Submissions (3):

Labcorp Genetics (formerly Invitae), Labcorp
Classification: Uncertain significance for Ehlers-Danlos syndrome, dermatosparaxis type. Last evaluated: 2022-08-22. Review status: criteria provided, single submitter. Criteria: Invitae Variant Classification Sherloc (09022015). Collection method: clinical testing. Allele origin: germline.
Comment: This sequence change replaces glycine, which is neutral and non-polar, with arginine, which is basic and polar, at codon 1209 of the ADAMTS2 protein (p.Gly1209Arg). This variant is present in population databases (rs769813298, gnomAD 0.003%). This variant has not been reported in the literature in individuals affected with ADAMTS2-related conditions. ClinVar contains an entry for this variant (Variation ID: 429851). Algorithms developed to predict the effect of missense changes on protein structure and function (SIFT, PolyPhen-2, Align-GVGD) all suggest that this variant is likely to be tolerated. In summary, the available evidence is currently insufficient to determine the role of this variant in disease. Therefore, it has been classified as a Variant of Uncertain Significance.

GeneDx
Classification: Uncertain significance. Last evaluated: 2017-05-10. Review status: criteria provided, single submitter. Criteria: GeneDx Variant Classification (06012015). Collection method: clinical testing. Allele origin: germline. Affected: yes.
Comment: A variant of uncertain significance has been identified in the ADAMTS2 gene. The G1209R variant has not been published as pathogenic or been reported as benign to our knowledge. G1209R is not observed at a significant frequency in large population cohorts (Lek et al., 2016; 1000 Genomes Consortium et al., 2015; Exome Variant Server). The G1209R variant is a non-conservative amino acid substitution, which is likely to impact secondary protein structure as these residues differ in polarity, charge, size and/or other properties. However, this substitution occurs at a position that is not conserved, where R1209 is the wild-type amino acid residue in multiple species. In silico analysis predicts this variant likely does not alter the protein structure/function. Furthermore, no missense variants in nearby residues have been reported in the Human Gene Mutation Database in association with EDS (Stenson et al., 2014).

Natera, Inc.
Classification: Uncertain significance for Ehlers-Danlos syndrome type VIIC. Last evaluated: 2019-10-28. Review status: no assertion criteria provided. Collection method: clinical testing. Allele origin: germline. Not counted in ClinVar's aggregate classification.